The following is an entry in ClinVar:

ClinVar aggregate classification (germline): Uncertain significance (1 of 4 stars; one submission).

Conditions:
Hereditary cancer-predisposing syndrome. Also called: Neoplastic Syndromes, Hereditary; Tumor predisposition; Hereditary Cancer Syndrome; Hereditary neoplastic syndrome. Identifiers: Orphanet 140162, MedGen C0027672, MeSH D009386, MONDO:0015356.

Submission:

Ambry Genetics
Classification: Uncertain significance for Hereditary cancer-predisposing syndrome. Last evaluated: 2020-09-23. Review status: criteria provided, single submitter. Criteria: Ambry Variant Classification Scheme 2023. Collection method: clinical testing. Allele origin: germline.
Comment: The p.I360F variant (also known as c.1078A>T), located in coding exon 10 of the TSC2 gene, results from an A to T substitution at nucleotide position 1078. The isoleucine at codon 360 is replaced by phenylalanine, an amino acid with highly similar properties. This amino acid position is not well conserved in available vertebrate species. In addition, the in silico prediction for this alteration is inconclusive. Since supporting evidence is limited at this time, the clinical significance of this alteration remains unclear.

NM_000548.5(TSC2):c.1078A>T (p.Ile360Phe)

Gene: TSC2 (TSC complex subunit 2; plus strand). Cytogenetic location: 16p13.3.
Variant type: single nucleotide variant.
Coding change: c.1078A>T on transcript NM_000548.5 (MANE Select); coding-DNA position 1078, A replaced by T.
Protein change: p.Ile360Phe; replaces isoleucine 360 with phenylalanine.
Molecular consequence: missense variant.
Genome position (GRCh38, 1-based): chr16:2,060,772, A>T. VCF-style: chr16-2060772-A-T. GRCh37 (hg19) VCF-style: chr16-2110773-A-T.
Other names: c.1078A>T, p.Ile360Phe (NM_001077183.3, NM_001114382.3, NM_001363528.2 and 6 more transcripts); c.967A>T, p.Ile323Phe (NM_001318827.2, NM_001406670.1, NM_001406678.1); c.931A>T, p.Ile311Phe (NM_001318829.2, NM_001406675.1, NM_001406676.1 and 1 more transcripts); c.478A>T, p.Ile160Phe (NM_001318831.2, NM_001406680.1, NM_001406682.1 and 6 more transcripts); c.1111A>T, p.Ile371Phe (NM_001318832.2); c.1168A>T, p.Ile390Phe (NM_001406667.1, NM_001406668.1); c.1066A>T, p.Ile356Phe (NM_001406671.1, NM_001406673.1); c.1021A>T, p.Ile341Phe (NM_001406677.1); and 4 more; short protein forms I160F, I206F, I341F, I311F, I323F, I360F, I390F, I356F.
Identifiers: ClinVar variation 1785398 (VCV001785398.2), dbSNP rs1555500560, ClinGen allele CA394318053.
Genomic context (GRCh38, chr16:2,060,772, plus strand): 5'-CTGTCCATCACCAGGCTCATCAAGAAGTATAGGAAGGAGCTCCAGGTGGTGGCGTGGGAC[A>T]TTCTGCTGAACATCATCGAACGGCTCCTTCAGCAGCTCCAGGTGGGGTGGGGGCAGGAGC-3'
Protein context (NP_000539.2, residues 350-370): RKELQVVAWD[Ile360Phe]LLNIIERLLQ